The following is an entry in ClinVar:

NM_001378615.1(CC2D2A):c.2837A>G (p.Glu946Gly)

Genes: CC2D2A (coiled-coil and C2 domain containing 2A; plus strand), FBXL5 (F-box and leucine rich repeat protein 5; minus strand). Cytogenetic location: 4p15.32.
Variant type: single nucleotide variant.
Coding change: c.2837A>G on transcript NM_001378615.1 (MANE Select); coding-DNA position 2837, A replaced by G.
Protein change: p.Glu946Gly; replaces glutamic acid 946 with glycine.
Molecular consequence: missense variant.
Genome position (GRCh38, 1-based): chr4:15,559,172, A>G. VCF-style: chr4-15559172-A-G. GRCh37 (hg19) VCF-style: chr4-15560795-A-G.
Other names: c.2837A>G, p.Glu946Gly (NM_001080522.2); c.2690A>G, p.Glu897Gly (NM_001378617.1); short protein forms E897G, E946G.
Identifiers: ClinVar variation 1057044 (VCV001057044.9), dbSNP rs2109060095, ClinGen allele CA356412583.

ClinVar aggregate classification (germline): Uncertain significance (1 of 4 stars; one submission).

Conditions:
Joubert syndrome. Also called: JOUBERT-BOLTSHAUSER SYNDROME; Familial aplasia of the vermis. Identifiers: Orphanet 475, MedGen C5979921, MONDO:0018772.
Meckel-Gruber syndrome. Also called: Dysencephalia splachnocystica; DYSENCEPHALIA SPLANCHNOCYSTICA; GRUBER SYNDROME. Identifiers: Orphanet 564, MedGen C0265215, MONDO:0018921.

Submission:

Labcorp Genetics (formerly Invitae), Labcorp
Classification: Uncertain significance for Joubert syndrome; Meckel-Gruber syndrome. Last evaluated: 2022-06-20. Review status: criteria provided, single submitter. Criteria: Invitae Variant Classification Sherloc (09022015). Collection method: clinical testing. Allele origin: germline.
Comment: In summary, the available evidence is currently insufficient to determine the role of this variant in disease. Therefore, it has been classified as a Variant of Uncertain Significance. Advanced modeling of protein sequence and biophysical properties (such as structural, functional, and spatial information, amino acid conservation, physicochemical variation, residue mobility, and thermodynamic stability) performed at Invitae indicates that this missense variant is expected to disrupt CC2D2A protein function. ClinVar contains an entry for this variant (Variation ID: 1057044). This variant has not been reported in the literature in individuals affected with CC2D2A-related conditions. This variant is not present in population databases (gnomAD no frequency). This sequence change replaces glutamic acid, which is acidic and polar, with glycine, which is neutral and non-polar, at codon 946 of the CC2D2A protein (p.Glu946Gly).